The following is an entry in ClinVar:

NM_152263.4(TPM3):c.88C>G (p.Gln30Glu)

Gene: TPM3 (tropomyosin 3; minus strand). Cytogenetic location: 1q21.3.
Variant type: single nucleotide variant.
Coding change: c.88C>G on transcript NM_152263.4 (MANE Select); coding-DNA position 88, C replaced by G.
Protein change: p.Gln30Glu; replaces glutamine 30 with glutamic acid.
Molecular consequence: missense variant. On other transcripts: non-coding transcript variant (1).
Genome position (GRCh38, 1-based): chr1:154,191,931, G>C on the plus strand (C>G on the coding strand, the complement: TPM3 is on the minus strand). VCF-style: chr1-154191931-G-C. GRCh37 (hg19) VCF-style: chr1-154164407-G-C.
Other names: c.88C>G, p.Gln30Glu (NM_001364679.2, NM_001364680.2, NM_001364681.2 and 1 more transcripts); short protein forms Q30E.
Identifiers: ClinVar variation 1524255 (VCV001524255.1), dbSNP rs1160965388, ClinGen allele CA342587408.

ClinVar aggregate classification (germline): Uncertain significance (1 of 4 stars; one submission).

Conditions:
Congenital myopathy 4B, autosomal recessive. Also called: Nemaline myopathy 1, autosomal dominant or recessive. Identifiers: Orphanet 171433, Orphanet 171439, Orphanet 171881, MedGen C5829889, MONDO:0012239, OMIM 609284.
Congenital myopathy with fiber type disproportion. Also called: Congenital fiber-type disproportion myopathy; Congenital fiber-type disproportion. Identifiers: Orphanet 2020, MedGen C0546264, MONDO:0009711. Inheritance: all.

Allele frequency attached by ClinVar (database versions not stated): TOPMed 0.00001.

Submission:

Labcorp Genetics (formerly Invitae), Labcorp
Classification: Uncertain significance for Congenital myopathy with fiber type disproportion; Congenital myopathy 4B, autosomal recessive. Last evaluated: 2021-10-10. Review status: criteria provided, single submitter. Criteria: Invitae Variant Classification Sherloc (09022015). Collection method: clinical testing. Allele origin: germline.
Comment: This sequence change replaces glutamine with glutamic acid at codon 30 of the TPM3 protein (p.Gln30Glu). The glutamine residue is highly conserved and there is a small physicochemical difference between glutamine and glutamic acid. This variant is not present in population databases (ExAC no frequency). This variant has not been reported in the literature in individuals affected with TPM3-related conditions. Advanced modeling of protein sequence and biophysical properties (such as structural, functional, and spatial information, amino acid conservation, physicochemical variation, residue mobility, and thermodynamic stability) performed at Invitae indicates that this missense variant is not expected to disrupt TPM3 protein function. In summary, the available evidence is currently insufficient to determine the role of this variant in disease. Therefore, it has been classified as a Variant of Uncertain Significance.